The following is an entry in ClinVar:

ClinVar aggregate classification (germline): Uncertain significance. Review status: criteria provided, single submitter (1 of 4 stars). 2 submissions from 2 submitters: Uncertain significance (1). 1 of the submissions does not count toward it. Last evaluated 2022-07-16.

Conditions:
Congenital myasthenic syndrome 11. Also called: MYASTHENIC SYNDROME, CONGENITAL, Ie; Myasthenic syndrome, congenital, 11, associated with acetylcholine receptor deficiency. Identifiers: Orphanet 590, MedGen C4225367, MONDO:0014588, OMIM 616326.
Fetal akinesia deformation sequence 1 (FADS1). Also called: Fetal akinesia sequence; Pena-Shokeir syndrome type I. Identifiers: Orphanet 994, MedGen C1276035, MONDO:0100101, OMIM 208150, HP:0001989.
Congenital myasthenic syndrome (CMS). Also called: Congenital Myasthenic Syndromes. Identifiers: Orphanet 590, MedGen C0751882, MeSH D020294, MONDO:0018940.

Allele frequency attached by ClinVar (database versions not stated): gnomAD exomes below 0.00001; TOPMed below 0.00001; gnomAD 0.00001.

Submissions (2):

Labcorp Genetics (formerly Invitae), Labcorp
Classification: Uncertain significance for Congenital myasthenic syndrome 11; Fetal akinesia deformation sequence 1. Last evaluated: 2022-07-16. Review status: criteria provided, single submitter. Criteria: Invitae Variant Classification Sherloc (09022015). Collection method: clinical testing. Allele origin: germline.
Comment: In summary, the available evidence is currently insufficient to determine the role of this variant in disease. Therefore, it has been classified as a Variant of Uncertain Significance. This sequence change replaces cysteine, which is neutral and slightly polar, with tyrosine, which is neutral and polar, at codon 106 of the RAPSN protein (p.Cys106Tyr). This variant is present in population databases (no rsID available, gnomAD 0.006%). This variant has not been reported in the literature in individuals affected with RAPSN-related conditions. ClinVar contains an entry for this variant (Variation ID: 1063407). Algorithms developed to predict the effect of missense changes on protein structure and function are either unavailable or do not agree on the potential impact of this missense change (SIFT: "Deleterious"; PolyPhen-2: "Possibly Damaging"; Align-GVGD: "Class C0").

Natera, Inc.
Classification: Uncertain significance for Congenital myasthenic syndrome. Last evaluated: 2021-10-18. Review status: no assertion criteria provided. Collection method: clinical testing. Allele origin: germline. Not counted in ClinVar's aggregate classification.

NM_005055.5(RAPSN):c.317G>A (p.Cys106Tyr)

Gene: RAPSN (receptor associated protein of the synapse; minus strand). Cytogenetic location: 11p11.2.
Variant type: single nucleotide variant.
Coding change: c.317G>A on transcript NM_005055.5 (MANE Select); coding-DNA position 317, G replaced by A.
Protein change: p.Cys106Tyr; replaces cysteine 106 with tyrosine.
Molecular consequence: missense variant.
Genome position (GRCh38, 1-based): chr11:47,448,026, C>T on the plus strand (G>A on the coding strand, the complement: RAPSN is on the minus strand). VCF-style: chr11-47448026-C-T. GRCh37 (hg19) VCF-style: chr11-47469578-C-T.
Other names: c.317G>A, p.Cys106Tyr (NM_032645.5); short protein forms C106Y.
Identifiers: ClinVar variation 1063407 (VCV001063407.10), dbSNP rs1341207988, ClinGen allele CA380334479.